The following is an entry in ClinVar:

ClinVar aggregate classification (germline): Conflicting classifications of pathogenicity. Review status: criteria provided, conflicting classifications (1 of 4 stars). 5 submissions from 5 submitters: Uncertain significance (2); Likely benign (3). Last evaluated 2026-03-27.

Conditions:
Cardiovascular phenotype. Identifiers: MedGen CN230736.

Allele frequency attached by ClinVar (database versions not stated): gnomAD exomes 0.00002 and 0.00007; gnomAD 0.00004 and 0.00005; ExAC 0.00007; 1000 Genomes Project 30x 0.00062; TOPMed 0.00005; 1000 Genomes Project 0.00060.
gnomAD v4.1: 38 of 1,613,298 alleles (0.0024%); highest among the groups gnomAD compares: East Asian, 0.042%; no homozygotes.

Submissions (5):

Molecular Diagnostic Laboratory for Inherited Cardiovascular Disease, Montreal Heart Institute
Classification: Likely benign. Last evaluated: 2026-03-27. Review status: criteria provided, single submitter. Criteria: ACMG Guidelines, 2015. Collection method: clinical testing. Allele origin: germline. Affected: no.
Comment: BS1;BP1

Revvity Omics, Revvity
Classification: Uncertain significance. Last evaluated: 2024-06-21. Review status: criteria provided, single submitter. Criteria: ACMG Guidelines, 2015. Collection method: clinical testing. Allele origin: germline.

GeneDx
Classification: Likely benign. Last evaluated: 2019-07-16. Review status: criteria provided, single submitter. Criteria: GeneDx Variant Classification Process June 2021. Collection method: clinical testing. Allele origin: germline. Affected: yes.
Comment: This variant is associated with the following publications: (PMID: 31983221)

Ambry Genetics
Classification: Likely benign for Cardiovascular phenotype. Last evaluated: 2019-06-24. Review status: criteria provided, single submitter. Criteria: Ambry Variant Classification Scheme 2023. Collection method: clinical testing. Allele origin: germline.

Laboratory for Molecular Medicine, Mass General Brigham Personalized Medicine
Classification: Uncertain significance. Last evaluated: 2014-06-27. Review status: criteria provided, single submitter. Criteria: LMM Criteria. Collection method: clinical testing. Allele origin: germline. Observed: 1 variant allele.
Comment: The Arg16756Gln variant in TTN has not been previously reported in individuals w ith cardiomyopathy, but has been identified in 1/200 Southern Han Chinese chromo somes by the 1000 Genomes Project (dbSNP rs186809500). Computational prediction tools and conservation analysis suggest that this variant may impact the protein , though this information is not predictive enough to determine pathogenicity. I n summary, the clinical significance of the Arg16756Gln variant is uncertain.

NM_001267550.2(TTN):c.57971G>A (p.Arg19324Gln)

Genes: TTN (titin; minus strand), TTN-AS1 (TTN antisense RNA 1; plus strand). Cytogenetic location: 2q31.2.
Variant type: single nucleotide variant.
Coding change: c.57971G>A on transcript NM_001267550.2 (MANE Select); coding-DNA position 57971, G replaced by A.
Protein change: p.Arg19324Gln; replaces arginine 19324 with glutamine.
Molecular consequence: missense variant.
Genome position (GRCh38, 1-based): chr2:178,594,523, C>T on the plus strand (G>A on the coding strand, the complement: TTN is on the minus strand). VCF-style: chr2-178594523-C-T. GRCh37 (hg19) VCF-style: chr2-179459250-C-T.
Other names: c.30776G>A, p.Arg10259Gln (NM_003319.4); c.31151G>A, p.Arg10384Gln (NM_133432.3); c.31352G>A, p.Arg10451Gln (NM_133437.4); c.53048G>A, p.Arg17683Gln (NM_001256850.1); c.50267G>A, p.Arg16756Gln (NM_133378.4); short protein forms R16756Q, R19324Q, R17683Q, R10384Q, R10451Q, R10259Q.
Identifiers: ClinVar variation 165949 (VCV000165949.13), dbSNP rs186809500, ClinGen allele CA178659.
Genomic context (GRCh38, chr2:178,594,523, plus strand): 5'-TATTTTCTGCTAAGCAAGTTGTCATTTGTAACTTTGTGGAACTTCTCAGTCCCAATGAGC[C>T]GACTTTCTAGGACATAGTTAATAATTTCTGACCCACCATCATACTTAGGAGGATTCCAAG-3'
Protein context (NP_001254479.2, residues 19314-19334): SEIINYVLES[Arg19324Gln]LIGTEKFHKV